The following is an entry in ClinVar:

ClinVar aggregate classification (germline): Likely benign (1 of 4 stars; one submission).

Conditions:
PLXNA4-related disorder. Also called: PLXNA4-related condition.

gnomAD v4.1: 4 of 1,614,192 alleles (0.00025%); highest among the groups gnomAD compares: Non-Finnish European, 0.00034%; no homozygotes.

Submission:

PreventionGenetics, part of Exact Sciences
Classification: Likely benign for PLXNA4-related condition. Last evaluated: 2026-05-29. Review status: criteria provided, single submitter. Criteria: ACMG Guidelines, 2015. Collection method: clinical testing. Allele origin: germline.
Comment: This variant is classified as likely benign based on ACMG/AMP sequence variant interpretation guidelines (Richards et al. 2015 PMID: 25741868, with internal and published modifications).

NM_020911.2(PLXNA4):c.669G>A (p.Val223=)

Gene: PLXNA4 (plexin A4; minus strand). Cytogenetic location: 7q32.3.
Variant type: single nucleotide variant.
Coding change: c.669G>A on transcript NM_020911.2 (MANE Select); coding-DNA position 669, G replaced by A.
Protein change: p.Val223=; no amino-acid change (valine 223 retained).
Molecular consequence: synonymous variant.
Genome position (GRCh38, 1-based): chr7:132,508,025, C>T on the plus strand (G>A on the coding strand, the complement: PLXNA4 is on the minus strand). VCF-style: chr7-132508025-C-T. GRCh37 (hg19) VCF-style: chr7-132192784-C-T.
Other names: c.669G>A, p.Val223= (NM_001105543.2, NM_001393897.1, NM_181775.4).
Identifiers: ClinVar variation 4995436 (VCV004995436.1).